The following is an entry in ClinVar:

NM_020381.4(PDSS2):c.640C>G (p.Leu214Val)

Gene: PDSS2 (decaprenyl diphosphate synthase subunit 2; minus strand). Cytogenetic location: 6q21.
Variant type: single nucleotide variant.
Coding change: c.640C>G on transcript NM_020381.4 (MANE Select); coding-DNA position 640, C replaced by G.
Protein change: p.Leu214Val; replaces leucine 214 with valine.
Molecular consequence: missense variant.
Genome position (GRCh38, 1-based): chr6:107,245,610, G>C on the plus strand (C>G on the coding strand, the complement: PDSS2 is on the minus strand). VCF-style: chr6-107245610-G-C. GRCh37 (hg19) VCF-style: chr6-107566814-G-C.
Other names: short protein forms L214V.
Identifiers: ClinVar variation 1938969 (VCV001938969.5), dbSNP rs2483561209, ClinGen allele CA365323154.
Genomic context (GRCh38, chr6:107,245,610, plus strand): 5'-TTGAAGTAGAATTTTCATGATATACTCCTTGTACCAAGTCCATAAGAGCACTTGCTAAAA[G>C]TTCCACAACCTAAAAAGCAAGAAGAAAAATAAAAATAAAAAAATTTAAATATATCTCTAT-3'
Protein context (NP_065114.3, residues 204-224): ALLQNTKVVE[Leu214Val]LASALMDLVQ

ClinVar aggregate classification (germline): Uncertain significance (1 of 4 stars; one submission).

Submission:

Labcorp Genetics (formerly Invitae), Labcorp
Classification: Uncertain significance. Last evaluated: 2022-07-28. Review status: criteria provided, single submitter. Criteria: Invitae Variant Classification Sherloc (09022015). Collection method: clinical testing. Allele origin: germline.
Comment: In summary, the available evidence is currently insufficient to determine the role of this variant in disease. Therefore, it has been classified as a Variant of Uncertain Significance. Algorithms developed to predict the effect of missense changes on protein structure and function are either unavailable or do not agree on the potential impact of this missense change (SIFT: "Tolerated"; PolyPhen-2: "Possibly Damaging"; Align-GVGD: "Class C0"). This variant has not been reported in the literature in individuals affected with PDSS2-related conditions. This variant is not present in population databases (gnomAD no frequency). This sequence change replaces leucine, which is neutral and non-polar, with valine, which is neutral and non-polar, at codon 214 of the PDSS2 protein (p.Leu214Val).